The following is an entry in ClinVar:

NM_017780.4(CHD7):c.1703C>T (p.Pro568Leu)

Genes: CHD7 (chromodomain helicase DNA binding protein 7; plus strand), LOC126860403 (CDK7 strongly-dependent group 2 enhancer GRCh37_chr8:61693034-61694233; plus strand). Cytogenetic location: 8q12.2.
Variant type: single nucleotide variant.
Coding change: c.1703C>T on transcript NM_017780.4 (MANE Select); coding-DNA position 1703, C replaced by T.
Protein change: p.Pro568Leu; replaces proline 568 with leucine.
Molecular consequence: missense variant.
Genome position (GRCh38, 1-based): chr8:60,781,037, C>T. VCF-style: chr8-60781037-C-T. GRCh37 (hg19) VCF-style: chr8-61693596-C-T.
Other names: c.1703C>T (NM_017780.2); c.1703C>T, p.Pro568Leu (NM_001316690.1); short protein forms P568L.
Identifiers: ClinVar variation 577967 (VCV000577967.12), dbSNP rs757689264, ClinGen allele CA4759558.

ClinVar aggregate classification (germline): Conflicting classifications of pathogenicity. Review status: criteria provided, conflicting classifications (1 of 4 stars). 3 submissions from 3 submitters: Uncertain significance (2); Benign (1). Last evaluated 2025-02-17.

Conditions:
CHD7-related disorder. Also called: CHD7-related condition.
CHARGE syndrome (CHARGE). Also called: Hittner Hirsch Kreh syndrome; Coloboma, heart anomaly, choanal atresia, retardation, genital and ear anomalies; CHARGE association; Hall-Hittner syndrome; CHARGE ASSOCIATION--COLOBOMA, HEART ANOMALY, CHOANAL ATRESIA, RETARDATION, GENITAL AND EAR ANOMALIES. Identifiers: Orphanet 138, MedGen C0265354, MONDO:0008965.

Allele frequency attached by ClinVar (database versions not stated): gnomAD 0.00001; TOPMed 0.00001; gnomAD exomes 0.00002; ExAC 0.00003.
gnomAD v4.1: 32 of 1,589,868 alleles (0.002%); highest among the groups gnomAD compares: South Asian, 0.0035%; no homozygotes.

Submissions (3):

Labcorp Genetics (formerly Invitae), Labcorp
Classification: Benign for CHARGE syndrome. Last evaluated: 2025-02-17. Review status: criteria provided, single submitter. Criteria: Invitae Variant Classification Sherloc (09022015). Collection method: clinical testing. Allele origin: germline.

PreventionGenetics, part of Exact Sciences
Classification: Uncertain significance for CHD7-related condition. Last evaluated: 2023-06-27. Review status: criteria provided, single submitter. Criteria: ACMG Guidelines, 2015. Collection method: clinical testing. Allele origin: germline.
Comment: The CHD7 c.1703C>T variant is predicted to result in the amino acid substitution p.Pro568Leu. To our knowledge, this variant has not been reported in the literature. This variant is reported in 0.0073% of alleles in individuals of South Asian descent in gnomAD. At this time, the clinical significance of this variant is uncertain due to the absence of conclusive functional and genetic evidence.

GeneDx
Classification: Uncertain significance. Last evaluated: 2022-09-13. Review status: criteria provided, single submitter. Criteria: GeneDx Variant Classification Process June 2021. Collection method: clinical testing. Allele origin: germline. Affected: yes.
Comment: In silico analysis supports that this missense variant does not alter protein structure/function; Has not been previously published as pathogenic or benign to our knowledge